The following is an entry in ClinVar:

NM_002474.3(MYH11):c.2760G>C (p.Leu920=)

Gene: MYH11 (myosin heavy chain 11; minus strand). Cytogenetic location: 16p13.11.
Variant type: single nucleotide variant.
Coding change: c.2760G>C on transcript NM_002474.3 (MANE Select); coding-DNA position 2760, G replaced by C.
Protein change: p.Leu920=; no amino-acid change (leucine 920 retained).
Molecular consequence: synonymous variant.
Genome position (GRCh38, 1-based): chr16:15,741,562, C>G on the plus strand (G>C on the coding strand, the complement: MYH11 is on the minus strand). VCF-style: chr16-15741562-C-G. GRCh37 (hg19) VCF-style: chr16-15835419-C-G.
Other names: c.2781G>C, p.Leu927= (NM_001040113.2, NM_001040114.2); c.2760G>C, p.Leu920= (NM_022844.3).
Identifiers: ClinVar variation 3387211 (VCV003387211.1).

ClinVar aggregate classification (germline): Likely benign (1 of 4 stars; one submission).

Conditions:
Familial thoracic aortic aneurysm and aortic dissection (TAAD). Also called: Thoracic aortic aneurysms and dissections. Identifiers: Orphanet 91387, MedGen C4707243, MONDO:0019625.

Submission:

All of Us Research Program, National Institutes of Health
Classification: Likely benign for Familial thoracic aortic aneurysm and aortic dissection. Last evaluated: 2024-07-20. Review status: criteria provided, single submitter. Criteria: ACMG Guidelines, 2015. Collection method: clinical testing. Allele origin: germline. Inheritance: Autosomal dominant inheritance. Observed: 1 variant allele, 1 heterozygote.
Comment: This study involves interpretation of variants in research participants for the purpose of population health screening. Participant phenotype was not available at the time of variant classification. Additional details can be found in publication PMID: 35346344, PMCID: PMC8962531